The following is an entry in ClinVar:

NM_003560.4(PLA2G6):c.2370_2371del (p.Tyr790_Glu791delinsTer)

Gene: PLA2G6 (phospholipase A2 group VI; minus strand). Cytogenetic location: 22q13.1.
Variant type: Deletion.
Coding change: c.2370_2371del on transcript NM_003560.4 (MANE Select); coding-DNA positions 2370 to 2371, 2 bases deleted (TG; older notation c.2370_2371delTG).
Protein change: p.Tyr790_Glu791delinsTer.
Molecular consequence: nonsense.
Genome position (GRCh38, 1-based): chr22:38,112,211-38,112,212, CA deleted on the plus strand (TG on the coding strand, the reverse complement: PLA2G6 is on the minus strand). VCF-style (leftmost placement, unchanged base first): chr22-38112210-TCA-T. GRCh37 (hg19) VCF-style: chr22-38508217-TCA-T.
Other names: NM_003560.4(PLA2G6):c.2370_2371del; p.Tyr790_Glu791delinsTer; p.Tyr790*; c.2208_2209del, p.Tyr736_Glu737delinsTer (NM_001004426.3, NM_001199562.3, NM_001349865.2 and 1 more transcripts); c.2370_2371del, p.Tyr790_Glu791delinsTer (NM_001349864.2); c.1836_1837del, p.Tyr612_Glu613delinsTer (NM_001349867.2); c.1692_1693del, p.Tyr564_Glu565delinsTer (NM_001349868.2); c.1674_1675del, p.Tyr558_Glu559delinsTer (NM_001349869.2).
Identifiers: ClinVar variation 6201 (VCV000006201.27), dbSNP rs587784353, ClinGen allele CA173267.
Genomic context (GRCh38, chr22:38,112,210, plus strand): 5'-GCTGGGGACCCTCAGGGTGAGAGCAGCAGCTGGATGAGCTTCTGGAACTCCTCGCGGTGC[TCA>T]TAGATGTAGACCTCGGTCTCCCAGAGGGCGTTGACCAGCACTGTGTCACTGACCTCATCC-3'

ClinVar aggregate classification (germline): Pathogenic/Likely pathogenic. Review status: criteria provided, multiple submitters, no conflicts (2 of 4 stars). 13 submissions from 12 submitters: Pathogenic (10); Likely pathogenic (1). 2 of the submissions do not count toward it. Last evaluated 2026-03-10.

Conditions:
PLA2G6-associated neurodegeneration (PLAN). Also called: phospholipase A2-associated neurodegeneration. Identifiers: Orphanet 329303, MedGen CN204472, MONDO:0017998.
PLA2G6-related disorder. Also called: PLA2G6-related condition.
Inborn genetic diseases. Identifiers: MedGen C0950123, MeSH D030342.
Infantile neuroaxonal dystrophy (NBIA2A). Also called: Infantile neuroaxonal dystrophy 1; NEURODEGENERATION WITH BRAIN IRON ACCUMULATION 2A; SEITELBERGER DISEASE. Identifiers: Orphanet 35069, MedGen C0270724, MONDO:0024457, OMIM 256600.
Neurodegeneration with brain iron accumulation 2B. Also called: NEUROAXONAL DYSTROPHY, ATYPICAL; NEURODEGENERATION WITH BRAIN IRON ACCUMULATION, PLA2G6-RELATED; aNAD; atypical Neuroaxonal Dystrophy (aNAD). Identifiers: Orphanet 35069, MedGen C1857747, MONDO:0012444, OMIM 610217.
Autosomal recessive Parkinson disease 14. Also called: PARKINSON DISEASE 14; DYSTONIA-PARKINSONISM, ADULT-ONSET. Identifiers: Orphanet 199351, MedGen C2751842, MONDO:0013060, OMIM 612953.
Iron accumulation in brain. Identifiers: MedGen C4021076, HP:0012675.

Allele frequency attached by ClinVar (database versions not stated): gnomAD 0.00003; gnomAD exomes 0.00003 and 0.00007; ExAC 0.00004; TOPMed 0.00005.

Submissions (13):

PreventionGenetics, part of Exact Sciences
Classification: Pathogenic for PLA2G6-related condition. Last evaluated: 2026-03-10. Review status: criteria provided, single submitter. Criteria: ACMG Guidelines, 2015. Collection method: clinical testing. Allele origin: germline.
Comment: The PLA2G6 c.2370_2371delTG variant is predicted to result in premature protein termination (p.Tyr790*). This variant has been reported in the compound heterozygous state in multiple patients with autosomal recessive PLA2G6-associated disorders (Sun et al. 2018. PubMed ID: 29915382; Morgan et al. 2006. PubMed ID: 16783378). This variant is reported in 0.0066% of alleles in individuals of African descent in gnomAD. Frameshift variants in PLA2G6 are expected to be pathogenic. This variant is interpreted as pathogenic.

Labcorp Genetics (formerly Invitae), Labcorp
Classification: Pathogenic for Infantile neuroaxonal dystrophy. Last evaluated: 2025-10-28. Review status: criteria provided, single submitter. Criteria: Invitae Variant Classification Sherloc (09022015). Collection method: clinical testing. Allele origin: germline.
Comment: This sequence change creates a premature translational stop signal (p.Tyr790*) in the PLA2G6 gene. While this is not anticipated to result in nonsense mediated decay, it is expected to disrupt the last 17 amino acid(s) of the PLA2G6 protein. This variant is present in population databases (rs587784353, gnomAD 0.007%). This premature translational stop signal has been observed in individuals with clinical features of PLA2G6-related conditions (PMID: 16783378, 27378808, 29915382; internal data). ClinVar contains an entry for this variant (Variation ID: 6201). Algorithms developed to predict the effect of variants on gene product structure and function are not available or were not evaluated for this variant. Experimental studies have shown that this premature translational stop signal affects PLA2G6 function (PMID: 20886109). For these reasons, this variant has been classified as Pathogenic.

Mayo Clinic Laboratories, Mayo Clinic
Classification: Pathogenic. Last evaluated: 2025-03-17. Review status: criteria provided, single submitter. Criteria: ACMG Guidelines, 2015. Collection method: clinical testing. Allele origin: germline. Observed: 2 variant alleles.
Comment: PM2_supporting, PM3_strong, PS3, PVS1_moderate

Victorian Clinical Genetics Services, Murdoch Childrens Research Institute
Classification: Pathogenic for PLA2G6-associated neurodegeneration. Last evaluated: 2025-02-25. Review status: criteria provided, single submitter. Criteria: ACMG Guidelines, 2015. Collection method: clinical testing. Allele origin: germline. Affected: yes.
Comment: This variant is classified as Pathogenic. Evidence in support of pathogenic classification: Variant is predicted to result in a truncated protein (premature termination codon is NOT located at least 54 nucleotides upstream of the final exon-exon junction) with less than 1/3 of the protein sequence affected; Variant is present in gnomAD <0.01 for a recessive condition (v4: 107 heterozygote(s), 0 homozygote(s)); This variant has strong previous evidence of pathogenicity in unrelated individuals. This variant has been classified as pathogenic by multiple clinical laboratories in ClinVar. An alternate nucleotide change resulting in the same amino acid substitution has also been classified as pathogenic or likely pathogenic by many clinical laboratories in ClinVar. Additional information: This variant is heterozygous; This gene is associated with autosomal recessive disease; Loss of function is a known mechanism of disease in this gene and is associated with PLA2G6-associated neurodegeneration (MONDO:0017998); Variants in this gene are known to have variable expressivity. Intrafamilial variability has been reported (PMID: 34622992); Heterozygous variant detected in trans with a second likely PATHOGENIC heterozygous variant (NM_003560.4(PLA2G6):c.1591+5G>A) in a recessive disease.

Fulgent Genetics
Classification: Pathogenic for Infantile neuroaxonal dystrophy; Neurodegeneration with brain iron accumulation 2B; Autosomal recessive Parkinson disease 14. Last evaluated: 2024-03-13. Review status: criteria provided, single submitter. Criteria: ACMG Guidelines, 2015. Collection method: clinical testing. Allele origin: germline.

Broad Center for Mendelian Genomics, Broad Institute of MIT and Harvard
Classification: Likely pathogenic for PLA2G6-associated neurodegeneration. Last evaluated: 2023-01-24. Review status: criteria provided, single submitter. Criteria: ACMG Guidelines, 2015. Collection method: curation. Allele origin: germline. Inheritance: Autosomal recessive inheritance.
Comment: The c.2370_2371delTG variant in PLA2G6 has been reported in at least 5 individuals with PLA2G6-associated neurodegeneration (PMID: 18799783, 20619503, 29915382, 16783378), and has been identified in 0.007% (1/15202) of African/African American chromosomes by the Genome Aggregation Database (gnomAD; dbSNP ID: rs587784353). Although this variant has been seen in the general population in a heterozygous state, its frequency is low enough to be consistent with a recessive carrier frequency. This variant has also been reported in ClinVar (Variation ID#: 6201) and has been interpreted as pathogenic by Genetic Services Laboratory (University of Chicago), GeneDx, Baylor Genetics, Invitae, Centogene AG - the Rare Disease Company, and OMIM. Of the 5 affected individuals, 1 of those was a homozygote, and 3 were compound heterozygotes that carried reported likely pathogenic variants in trans or with unknown phase, which increases the likelihood that the c.2370_2371delTG variant is pathogenic (PMID: 18799783, 20619503, 29915382; ClinVar ID: 929943). In vitro functional studies provide some evidence that the p.Tyr790Ter variant may slightly impact protein function (PMID: 20886109). However, these types of assays may not accurately represent biological function. This variant is predicted to cause a frameshift, which alters the protein‚Äôs amino acid sequence beginning at position 790 and leads to a premature termination codon at the same position. This termination codon occurs within the last exon and is more likely to escape nonsense mediated decay (NMD) and result in a truncated protein. Loss of function of the PLA2G6 gene is an established disease mechanism in autosomal recessive PLA2G6-associated neurodegeneration. In summary, although additional studies are required to fully establish its clinical significance, this variant is likely pathogenic for autosomal recessive PLA2G6-associated neurodegeneration. ACMG/AMP Criteria applied: PVS1_moderate, PM2_supporting, PM3_strong, PS3_supporting (Richards 2015).

GeneDx
Classification: Pathogenic. Last evaluated: 2022-01-11. Review status: criteria provided, single submitter. Criteria: GeneDx Variant Classification Process June 2021. Collection method: clinical testing. Allele origin: germline. Affected: yes.
Comment: Nonsense variant in the C-terminus predicted to result in protein truncation, as the last 17 amino acids are lost, and other loss-of-function variants have been reported downstream in the Human Gene Mutation Database (HGMD); Not observed at a significant frequency in large population cohorts (gnomAD); This variant is associated with the following publications: (PMID: 16783378, 18799783, 29915382)

Ambry Genetics
Classification: Pathogenic for Inborn genetic diseases. Last evaluated: 2021-01-07. Review status: criteria provided, single submitter. Criteria: Ambry Variant Classification Scheme 2023. Collection method: clinical testing. Allele origin: germline.
Comment: The c.2370_2371delTG (p.Y790*) alteration, located in exon 17 (coding exon 16) of the PLA2G6 gene, consists of a deletion of 2 nucleotides from position 2370 to 2371. This changes the amino acid from a tyrosine (Y) to a stop codon at amino acid position 790. This alteration occurs at the 3' terminus of the PLA2G6 gene, is not expected to trigger nonsense-mediated mRNA decay, and only impacts the last 17/806 (2%) of the protein. However, premature stop codons are typically deleterious in nature and the impacted region is critical for protein function. Based on data from the Genome Aggregation Database (gnomAD) database, the PLA2G6 c.2370_2371delTG alteration was observed in 0.0033% (8/242472) of total alleles studied. The p.Y790* alteration has been reported in the homozygous and compound heterozygous state in multiple patients with PLA2G6-associated neurodegenerative disorders (Morgan, 2006; Gregory, 2008; Pais&aacute;n-Ruiz, 2012; Sun, 2019). Functional studies demonstrate that the p.Y790* alteration has less than 10% catalytic activity in two substrates compared to wild type (Engel, 2010). Based on the available evidence, this alteration is classified as pathogenic.

CENTOGENE GmbH and LLC - Guiding Precision Medicine
Classification: Pathogenic for Infantile neuroaxonal dystrophy. Last evaluated: 2020-01-28. Review status: criteria provided, single submitter. Criteria: ACMG Guidelines, 2015. Collection method: clinical testing. Allele origin: germline. Affected: yes.

Genetic Services Laboratory, University of Chicago
Classification: Pathogenic for iron accumulation in brain. Last evaluated: 2013-02-08. Review status: criteria provided, single submitter. Criteria: ACMG Guidelines, 2007. Collection method: clinical testing. Allele origin: germline. Inheritance: Autosomal recessive inheritance. Affected: yes.

Baylor Genetics
Classification: Pathogenic for Infantile neuroaxonal dystrophy. Review status: criteria provided, single submitter. Criteria: ACMG Guidelines, 2015. Collection method: clinical testing. Allele origin: germline.

OMIM
Classification: Pathogenic for NEURODEGENERATION WITH BRAIN IRON ACCUMULATION 2A. Last evaluated: 2008-10-28. Review status: no assertion criteria provided. Collection method: literature only. Allele origin: germline. Not counted in ClinVar's aggregate classification.

OMIM
Classification: Pathogenic for NEURODEGENERATION WITH BRAIN IRON ACCUMULATION 2B. Last evaluated: 2008-10-28. Review status: no assertion criteria provided. Collection method: literature only. Allele origin: germline. Not counted in ClinVar's aggregate classification.

Literature cited by the submitters: PubMed 16783378 (cited by 3 submitters); PubMed 27378808 (cited by Labcorp Genetics (formerly Invitae), Labcorp); PubMed 29915382 (cited by 3 submitters); PubMed 20886109 (cited by 4 submitters); PubMed 18799783 (cited by 3 submitters); PubMed 20619503 (cited by Mayo Clinic Laboratories, Mayo Clinic and Ambry Genetics); PubMed 24108619 (cited by Mayo Clinic Laboratories, Mayo Clinic); PubMed 38259611 (cited by Mayo Clinic Laboratories, Mayo Clinic); PubMed 34622992 (cited by Victorian Clinical Genetics Services, Murdoch Childrens Research Institute).